The following is an entry in ClinVar:

NM_018344.6(SLC29A3):c.365A>G (p.Asn122Ser)

Genes: SLC29A3 (solute carrier family 29 member 3; plus strand), LOC105378353 (uncharacterized LOC105378353; minus strand). Cytogenetic location: 10q22.1.
Variant type: single nucleotide variant.
Coding change: c.365A>G on transcript NM_018344.6 (MANE Select); coding-DNA position 365, A replaced by G.
Protein change: p.Asn122Ser; replaces asparagine 122 with serine.
Molecular consequence: missense variant.
Genome position (GRCh38, 1-based): chr10:71,344,273, A>G. VCF-style: chr10-71344273-A-G. GRCh37 (hg19) VCF-style: chr10-73104030-A-G.
Other names: c.365A>G, p.Asn122Ser (NM_001174098.2); c.131A>G, p.Asn44Ser (NM_001363518.2); short protein forms N122S, N44S.
Identifiers: ClinVar variation 595707 (VCV000595707.15), dbSNP rs772599816, ClinGen allele CA5542903.
Genomic context (GRCh38, chr10:71,344,273, plus strand): 5'-ACTTTGAGAGCTACCTTGCCGTTGCCTCCACCGTGCCCTCCATGCTGTGCCTGGTGGCCA[A>G]CTTCCTGCTTGTCAACAGGTAGGCGACTCTCTTCCCTCTCTCAGGCCTCTGCCTTGGTCT-3'
Protein context (NP_060814.4, residues 112-132): TVPSMLCLVA[Asn122Ser]FLLVNRVAVH

ClinVar aggregate classification (germline): Uncertain significance. Review status: criteria provided, multiple submitters, no conflicts (2 of 4 stars). 5 submissions from 5 submitters: Uncertain significance (5). Last evaluated 2024-12-18.

Conditions:
H syndrome. Also called: Pigmented hypertrichosis and insulin-dependent diabetes mellitus; Asrar Facharzt Haque syndrome; FAISALABAD HISTIOCYTOSIS; HISTIOCYTOSIS AND LYMPHADENOPATHY WITH OR WITHOUT CUTANEOUS, CARDIAC, AND/OR ENDOCRINE FEATURES, JOINT CONTRACTURES, AND/OR DEAFNESS; HYPERPIGMENTATION, CUTANEOUS, WITH HYPERTRICHOSIS, HEPATOSPLENOMEGALY, HEART ANOMALIES, AND HYPOGONADISM WITH OR WITHOUT HEARING LOSS; PIGMENTED HYPERTRICHOSIS WITH INSULIN-DEPENDENT DIABETES MELLITUS. Identifiers: Orphanet 168569, MedGen C1864445, MONDO:0011273, OMIM 602782.
SLC29A3-related disorder. Also called: SLC29A3-related condition.
Inborn genetic diseases. Identifiers: MedGen C0950123, MeSH D030342.

Allele frequency attached by ClinVar (database versions not stated): ExAC 0.00002; gnomAD exomes 0.00003; gnomAD 0.00007 and 0.00008; TOPMed 0.00008.

Submissions (5):

PreventionGenetics, part of Exact Sciences
Classification: Uncertain significance for SLC29A3-related condition. Last evaluated: 2024-12-18. Review status: criteria provided, single submitter. Criteria: ACMG Guidelines, 2015. Collection method: clinical testing. Allele origin: germline.
Comment: The SLC29A3 c.365A>G variant is predicted to result in the amino acid substitution p.Asn122Ser. To our knowledge, this variant has not been reported in the literature. This variant is reported in 0.017% of alleles in individuals of Latino descent in gnomAD. At this time, the clinical significance of this variant is uncertain due to the absence of conclusive functional and genetic evidence.

Labcorp Genetics (formerly Invitae), Labcorp
Classification: Uncertain significance for H syndrome. Last evaluated: 2024-10-17. Review status: criteria provided, single submitter. Criteria: Invitae Variant Classification Sherloc (09022015). Collection method: clinical testing. Allele origin: germline.
Comment: This sequence change replaces asparagine, which is neutral and polar, with serine, which is neutral and polar, at codon 122 of the SLC29A3 protein (p.Asn122Ser). This variant is present in population databases (rs772599816, gnomAD 0.02%). This variant has not been reported in the literature in individuals affected with SLC29A3-related conditions. ClinVar contains an entry for this variant (Variation ID: 595707). Invitae Evidence Modeling of protein sequence and biophysical properties (such as structural, functional, and spatial information, amino acid conservation, physicochemical variation, residue mobility, and thermodynamic stability) indicates that this missense variant is not expected to disrupt SLC29A3 protein function with a negative predictive value of 80%. In summary, the available evidence is currently insufficient to determine the role of this variant in disease. Therefore, it has been classified as a Variant of Uncertain Significance.

Ambry Genetics
Classification: Uncertain significance for Inborn genetic diseases. Last evaluated: 2024-08-19. Review status: criteria provided, single submitter. Criteria: Ambry Variant Classification Scheme 2023. Collection method: clinical testing. Allele origin: germline.

Blueprint Genetics
Classification: Uncertain significance. Last evaluated: 2023-10-02. Review status: criteria provided, single submitter. Criteria: ACMG Guidelines, 2015. Collection method: clinical testing. Allele origin: germline.

Eurofins Ntd Llc (ga)
Classification: Uncertain significance. Last evaluated: 2018-01-15. Review status: criteria provided, single submitter. Criteria: EGL Classification Definitions 2015. Collection method: clinical testing. Allele origin: germline. Observed: 1 variant allele, 1 heterozygote.